The following is an entry in ClinVar:

ClinVar aggregate classification (germline): Uncertain significance. Review status: criteria provided, multiple submitters, no conflicts (2 of 4 stars). 2 submissions from 2 submitters: Uncertain significance (2). Last evaluated 2025-03-24.

Conditions:
Inborn genetic diseases. Identifiers: MedGen C0950123, MeSH D030342.
Aicardi-Goutieres syndrome 6 (AGS6). Identifiers: Orphanet 51, MedGen C3539013, MONDO:0014007, OMIM 615010.
Symmetrical dyschromatosis of extremities (DSH). Also called: RETICULATE ACROPIGMENTATION OF DOHI; SYMMETRIC DYSCHROMATOSIS OF THE EXTREMITIES; DYSCHROMATOSIS SYMMETRICA HEREDITARIA 1; Dyschromatosis symmetrica hereditaria. Identifiers: Orphanet 41, MedGen C0406775, MONDO:0007483, OMIM 127400.

Allele frequency attached by ClinVar (database versions not stated): TOPMed below 0.00001; gnomAD exomes 0.00003.

Submissions (2):

Ambry Genetics
Classification: Uncertain significance for Inborn genetic diseases. Last evaluated: 2025-03-24. Review status: criteria provided, single submitter. Criteria: Ambry Variant Classification Scheme 2023. Collection method: clinical testing. Allele origin: germline.

Labcorp Genetics (formerly Invitae), Labcorp
Classification: Uncertain significance for Aicardi-Goutieres syndrome 6; Symmetrical dyschromatosis of extremities. Last evaluated: 2025-01-21. Review status: criteria provided, single submitter. Criteria: Invitae Variant Classification Sherloc (09022015). Collection method: clinical testing. Allele origin: germline.
Comment: This sequence change replaces histidine, which is basic and polar, with aspartic acid, which is acidic and polar, at codon 159 of the ADAR protein (p.His159Asp). This variant is not present in population databases (gnomAD no frequency). This variant has not been reported in the literature in individuals affected with ADAR-related conditions. ClinVar contains an entry for this variant (Variation ID: 565996). An algorithm developed to predict the effect of missense changes on protein structure and function (PolyPhen-2) suggests that this variant is likely to be tolerated. In summary, the available evidence is currently insufficient to determine the role of this variant in disease. Therefore, it has been classified as a Variant of Uncertain Significance.

NM_001111.5(ADAR):c.475C>G (p.His159Asp)

Gene: ADAR (adenosine deaminase RNA specific; minus strand). Cytogenetic location: 1q21.3.
Variant type: single nucleotide variant.
Coding change: c.475C>G on transcript NM_001111.5 (MANE Select); coding-DNA position 475, C replaced by G.
Protein change: p.His159Asp; replaces histidine 159 with aspartic acid.
Molecular consequence: missense variant. On other transcripts: 5 prime UTR variant (6).
Genome position (GRCh38, 1-based): chr1:154,602,167, G>C on the plus strand (C>G on the coding strand, the complement: ADAR is on the minus strand). VCF-style: chr1-154602167-G-C. GRCh37 (hg19) VCF-style: chr1-154574643-G-C.
Other names: c.475C>G, p.His159Asp (LRG_1212t1, NM_015840.4, NM_015841.4); c.-411C>G (NM_001025107.3, NM_001193495.2, NM_001365046.1 and 3 more transcripts); c.502C>G, p.His168Asp (NM_001365045.1); short protein forms H159D, H168D.
Identifiers: ClinVar variation 565996 (VCV000565996.9), dbSNP rs921496664, ClinGen allele CA30810676.